The following is an entry in ClinVar:

NM_030957.4(ADAMTS10):c.1190C>T (p.Thr397Ile)

Gene: ADAMTS10 (ADAM metallopeptidase with thrombospondin type 1 motif 10; minus strand). Cytogenetic location: 19p13.2.
Variant type: single nucleotide variant.
Coding change: c.1190C>T on transcript NM_030957.4 (MANE Select); coding-DNA position 1190, C replaced by T.
Protein change: p.Thr397Ile; replaces threonine 397 with isoleucine.
Molecular consequence: missense variant.
Genome position (GRCh38, 1-based): chr19:8,596,307, G>A on the plus strand (C>T on the coding strand, the complement: ADAMTS10 is on the minus strand). VCF-style: chr19-8596307-G-A. GRCh37 (hg19) VCF-style: chr19-8661191-G-A.
Other names: short protein forms T397I.
Identifiers: ClinVar variation 3383825 (VCV003383825.1).

ClinVar aggregate classification (germline): Uncertain significance (1 of 4 stars; one submission).

gnomAD v4.1: 33 of 1,612,706 alleles (0.002%); highest among the groups gnomAD compares: African/African-American, 0.0067%; no homozygotes.

Submission:

GeneDx
Classification: Uncertain significance. Last evaluated: 2024-05-31. Review status: criteria provided, single submitter. Criteria: GeneDx Variant Classification Process June 2021. Collection method: clinical testing. Allele origin: germline. Affected: yes.
Comment: In silico analysis supports that this missense variant has a deleterious effect on protein structure/function; Has not been previously published as pathogenic or benign to our knowledge